The following is an entry in ClinVar:

NM_005633.4(SOS1):c.3692_3694del (p.Leu1231del)

Gene: SOS1 (SOS Ras/Rac guanine nucleotide exchange factor 1; minus strand). Cytogenetic location: 2p22.1.
Variant type: Deletion.
Coding change: c.3692_3694del on transcript NM_005633.4 (MANE Select); coding-DNA positions 3692 to 3694, 3 bases deleted (TAC; older notation c.3692_3694delTAC).
Protein change: p.Leu1231del; deletes leucine 1231.
Molecular consequence: inframe deletion. On other transcripts: inframe indel (1).
Genome position (GRCh38, 1-based): chr2:38,986,132-38,986,134, GTA deleted on the plus strand (TAC on the coding strand, the reverse complement: SOS1 is on the minus strand); deleting any 3 consecutive bases within chr2:38,986,132-38,986,136 gives the same sequence; the c. name uses the placement nearest the transcript's 3' end. VCF-style (leftmost placement, unchanged base first): chr2-38986131-TGTA-T. GRCh37 (hg19) VCF-style: chr2-39213272-TGTA-T.
Other names: c.3671_3673del, p.Leu1224del (NM_001382394.1); c.3647_3649del, p.Leu1216del (NM_001382395.1); c.3692_3694delTAC (NM_005633.3); short protein forms L1224del, L1231del, L1216del.
Identifiers: ClinVar variation 1733972 (VCV001733972.4), dbSNP rs2528871516, ClinGen allele CA2580066475.

ClinVar aggregate classification (germline): Uncertain significance. Review status: criteria provided, multiple submitters, no conflicts (2 of 4 stars). 2 submissions from 2 submitters: Uncertain significance (2). Last evaluated 2024-08-20.

Conditions:
Cardiovascular phenotype. Identifiers: MedGen CN230736.

Submissions (2):

Blueprint Genetics
Classification: Uncertain significance. Last evaluated: 2024-08-20. Review status: criteria provided, single submitter. Criteria: ACMG Guidelines, 2015. Collection method: clinical testing. Allele origin: germline.

Ambry Genetics
Classification: Uncertain significance for Cardiovascular phenotype. Last evaluated: 2023-09-07. Review status: criteria provided, single submitter. Criteria: Ambry Variant Classification Scheme 2023. Collection method: clinical testing. Allele origin: germline.
Comment: The c.3692_3694delTAC variant (also known as p.L1231del) is located in coding exon 23 of the SOS1 gene. This variant results from an in-frame TAC deletion at nucleotide positions 3692 to 3694. This results in the in-frame deletion of a leucine at codon 1231. Since supporting evidence is limited at this time, the clinical significance of this alteration remains unclear.